The following is an entry in ClinVar:

ClinVar aggregate classification (germline): Uncertain significance (1 of 4 stars; one submission).

Conditions:
Episodic ataxia type 2 (EA2). Also called: ACETAZOLAMIDE-RESPONSIVE HEREDITARY PAROXYSMAL CEREBELLAR ATAXIA; ATAXIA, EPISODIC, WITH NYSTAGMUS; ATAXIA, FAMILIAL PAROXYSMAL; CEREBELLAR ATAXIA, PAROXYSMAL, ACETAZOLAMIDE-RESPONSIVE; CEREBELLOPATHY, HEREDITARY PAROXYSMAL; EPISODIC ATAXIA, NYSTAGMUS-ASSOCIATED. Identifiers: Orphanet 97, MedGen C1720416, MONDO:0007163, OMIM 108500.
Developmental and epileptic encephalopathy, 42 (DEE42A). Also called: DEVELOPMENTAL AND EPILEPTIC ENCEPHALOPATHY 42A; EPILEPTIC ENCEPHALOPATHY, EARLY INFANTILE, 42A; Epileptic encephalopathy, early infantile, 42. Identifiers: MedGen C4310716, MONDO:0014917, OMIM 617106.

Submission:

Labcorp Genetics (formerly Invitae), Labcorp
Classification: Uncertain significance for Developmental and epileptic encephalopathy, 42; Episodic ataxia type 2. Last evaluated: 2024-05-23. Review status: criteria provided, single submitter. Criteria: Invitae Variant Classification Sherloc (09022015). Collection method: clinical testing. Allele origin: germline.
Comment: This sequence change replaces aspartic acid, which is acidic and polar, with tyrosine, which is neutral and polar, at codon 903 of the CACNA1A protein (p.Asp903Tyr). This variant is not present in population databases (gnomAD no frequency). This variant has not been reported in the literature in individuals affected with CACNA1A-related conditions. ClinVar contains an entry for this variant (Variation ID: 848003). Advanced modeling of protein sequence and biophysical properties (such as structural, functional, and spatial information, amino acid conservation, physicochemical variation, residue mobility, and thermodynamic stability) performed at Invitae indicates that this missense variant is not expected to disrupt CACNA1A protein function with a negative predictive value of 95%. In summary, the available evidence is currently insufficient to determine the role of this variant in disease. Therefore, it has been classified as a Variant of Uncertain Significance.

NM_001127222.2(CACNA1A):c.2704G>T (p.Asp902Tyr)

Gene: CACNA1A (calcium voltage-gated channel subunit alpha1 A; minus strand). Cytogenetic location: 19p13.13.
Variant type: single nucleotide variant.
Coding change: c.2704G>T on transcript NM_001127222.2 (MANE Select); coding-DNA position 2704, G replaced by T.
Protein change: p.Asp902Tyr; replaces aspartic acid 902 with tyrosine.
Molecular consequence: missense variant.
Genome position (GRCh38, 1-based): chr19:13,298,929, C>A on the plus strand (G>T on the coding strand, the complement: CACNA1A is on the minus strand). VCF-style: chr19-13298929-C-A. GRCh37 (hg19) VCF-style: chr19-13409743-C-A.
Other names: c.2716G>T, p.Asp906Tyr (NM_000068.4, NM_023035.3); c.2707G>T, p.Asp903Tyr (NM_001127221.2, NM_001174080.2); short protein forms D902Y, D903Y, D906Y.
Identifiers: ClinVar variation 848003 (VCV000848003.10), dbSNP rs2057730771, ClinGen allele CA404342888.